The following is an entry in ClinVar:

ClinVar aggregate classification (germline): Likely pathogenic (1 of 4 stars; one submission).

Conditions:
ENHANCED S-CONE SYNDROME 1 (ESCS1). Also called: RETINOSCHISIS WITH EARLY HEMERALOPIA; FAVRE HYALOIDEORETINAL DEGENERATION. Identifiers: MedGen CN380299, OMIM 268100.

gnomAD v4.1: 1 of 1,549,398 alleles (0.000065%); highest among the groups gnomAD compares: Non-Finnish European, 0.000087%; no homozygotes.

Submission:

Myriad Genetics, Inc.
Classification: Likely pathogenic for ENHANCED S-CONE SYNDROME 1. Last evaluated: 2026-01-02. Review status: criteria provided, single submitter. Criteria: Myriad Autosomal Dominant, Autosomal Recessive and X-Linked Classification Criteria (2023). Collection method: clinical testing. Allele origin: unknown.
Comment: NM_014249.2(NR2E3):c.246-2A>T is a variant in a canonical splice site classified as likely pathogenic in the context of enhanced S-cone syndrome. c.246-2A>T has not been observed in cases with relevant disease. Relevant functional assessments of this variant are not available in the literature. c.246-2A>T has not been observed in referenced population frequency databases. In summary, NM_014249.2(NR2E3):c.246-2A>T is a variant in a canonical splice site in a gene where loss of function is a known mechanism of disease and is predicted to disrupt protein function. Please note: this variant was assessed in the context of healthy population screening.

NM_014249.4(NR2E3):c.246-2A>T

Gene: NR2E3 (nuclear receptor subfamily 2 group E member 3; plus strand). Cytogenetic location: 15q23.
Variant type: single nucleotide variant.
Coding change: c.246-2A>T on transcript NM_014249.4 (MANE Select); the canonical splice acceptor site of the intron before coding-DNA position 246, A replaced by T.
Molecular consequence: splice acceptor variant.
Genome position (GRCh38, 1-based): chr15:71,811,764, A>T. VCF-style: chr15-71811764-A-T. GRCh37 (hg19) VCF-style: chr15-72104104-A-T.
Other names: c.246-2A>T (NM_016346.4).
Identifiers: ClinVar variation 5003854 (VCV005003854.1).